The following is an entry in ClinVar:

ClinVar aggregate classification (germline): Uncertain significance (1 of 4 stars; one submission).

Conditions:
Hereditary cancer-predisposing syndrome. Also called: Neoplastic Syndromes, Hereditary; Tumor predisposition; Hereditary neoplastic syndrome; Hereditary Cancer Syndrome. Identifiers: Orphanet 140162, MedGen C0027672, MeSH D009386, MONDO:0015356.

Submission:

Ambry Genetics
Classification: Uncertain significance for Hereditary cancer-predisposing syndrome. Last evaluated: 2026-07-06. Review status: criteria provided, single submitter. Criteria: Ambry Variant Classification Scheme 2023. Collection method: clinical testing. Allele origin: germline.
Comment: The p.S1385R variant (also known as c.4155C>G), located in coding exon 15 of the APC gene, results from a C to G substitution at nucleotide position 4155. The serine at codon 1385 is replaced by arginine, an amino acid with dissimilar properties. This amino acid position is conserved. In addition, in silico predictors for this gene do not accurately predict pathogenicity. Based on the available evidence, the clinical significance of this variant remains unclear.

NM_000038.6(APC):c.4155C>G (p.Ser1385Arg)

Gene: APC (APC regulator of Wnt signaling pathway; plus strand). Cytogenetic location: 5q22.2.
Variant type: single nucleotide variant.
Coding change: c.4155C>G on transcript NM_000038.6 (MANE Select); coding-DNA position 4155, C replaced by G.
Protein change: p.Ser1385Arg; replaces serine 1385 with arginine.
Molecular consequence: missense variant. On other transcripts: non-coding transcript variant (2).
Genome position (GRCh38, 1-based): chr5:112,839,749, C>G. VCF-style: chr5-112839749-C-G. GRCh37 (hg19) VCF-style: chr5-112175446-C-G.
Other names: c.4155C>G, p.Ser1385Arg (NM_001354895.2, NM_001127510.3, NM_001407450.1); c.4209C>G, p.Ser1403Arg (NM_001354896.2, NM_001407447.1, NM_001407448.1 and 1 more transcripts); c.4185C>G, p.Ser1395Arg (NM_001354897.2); c.4080C>G, p.Ser1360Arg (NM_001354898.2); c.4071C>G, p.Ser1357Arg (NM_001354899.2); c.4032C>G, p.Ser1344Arg (NM_001354900.2); c.3978C>G, p.Ser1326Arg (NM_001354901.2, NM_001407453.1); c.3882C>G, p.Ser1294Arg (NM_001354902.2); and 11 more; short protein forms S1102R, S1256R, S1302R, S1344R, S1360R, S1375R, S1385R, S1413R.
Identifiers: ClinVar variation 5025024 (VCV005025024.1).